The following is an entry in ClinVar:

NM_006164.5(NFE2L2):c.1769dup (p.Asn590fs)

Gene: NFE2L2 (NFE2 like bZIP transcription factor 2; minus strand). Cytogenetic location: 2q31.2.
Variant type: Duplication.
Coding change: c.1769dup on transcript NM_006164.5 (MANE Select); coding-DNA position 1769, one base duplicated (A; older notation c.1769dupA).
Protein change: p.Asn590fs; shifts the reading frame from asparagine 590.
Molecular consequence: frameshift variant.
Genome position (GRCh38, 1-based): chr2:177,230,834, T duplicated on the plus strand (A on the coding strand, the reverse complement: NFE2L2 is on the minus strand); the first of 2 consecutive T bases (chr2:177,230,834-177,230,835); duplicating either gives the same sequence. VCF-style (leftmost placement, unchanged base first): chr2-177230833-A-AT. GRCh37 (hg19) VCF-style: chr2-178095561-A-AT.
Other names: c.1721dup, p.Asn574fs (NM_001145412.3, NM_001313900.1, NM_001313901.1); c.1700dup, p.Asn567fs (NM_001145413.3); c.1679dup, p.Asn560fs (NM_001313902.2); c.1550dup, p.Asn517fs (NM_001313903.2); c.1469dup, p.Asn490fs (NM_001313904.1); short protein forms N590fs, N560fs, N574fs, N517fs, N567fs, N490fs.
Identifiers: ClinVar variation 3393862 (VCV003393862.1).

ClinVar aggregate classification (germline): Uncertain significance (1 of 4 stars; one submission).

Submission:

GeneDx
Classification: Uncertain significance. Last evaluated: 2024-07-03. Review status: criteria provided, single submitter. Criteria: GeneDx Variant Classification Process June 2021. Collection method: clinical testing. Allele origin: germline. Affected: yes.
Comment: Not observed at significant frequency in large population cohorts (gnomAD); Frameshift variant predicted to result in abnormal protein length as the last 16 amino acids are replaced with 8 different amino acids; Has not been previously published as pathogenic or benign to our knowledge